The following is an entry in ClinVar:

ClinVar aggregate classification (germline): Benign (1 of 4 stars; one submission).

Conditions:
Hereditary coproporphyria (HCP). Also called: Hereditary coproporphyria porphyria; Porphyria hepatica coproporphyria; Porphyria hepatica II; CPRO deficiency; COPROPORPHYRINOGEN OXIDASE DEFICIENCY; CPO DEFICIENCY. Identifiers: Orphanet 79273, MedGen C0162531, MONDO:0007369, OMIM 121300.

Allele frequency attached by ClinVar (database versions not stated): gnomAD 0.01315 and 0.01421; 1000 Genomes Project 30x 0.01374; TOPMed 0.01531; gnomAD exomes 0.00116; 1000 Genomes Project 0.01258.
gnomAD v4.1: 3,762 of 1,609,792 alleles (0.23%); highest among the groups gnomAD compares: African/African-American, 4.4%; 71 homozygotes.

Submission:

Illumina Laboratory Services, Illumina
Classification: Benign for Hereditary coproporphyria. Last evaluated: 2018-01-13. Review status: criteria provided, single submitter. Criteria: ICSL Variant Classification Criteria 13 December 2019. Collection method: clinical testing. Allele origin: germline.
Comment: This variant was observed in the ICSL laboratory as part of a predisposition screen in an ostensibly healthy population. It had not been previously curated by ICSL or reported in the Human Gene Mutation Database (HGMD: prior to June 1st, 2018), and was therefore a candidate for classification through an automated scoring system. Utilizing variant allele frequency, disease prevalence and penetrance estimates, and inheritance mode, an automated score was calculated to assess if this variant is too frequent to cause the disease. Based on the score and internal cut-off values, a variant classified as benign is not then subjected to further curation. The score for this variant resulted in a classification of benign for this disease.

NM_000097.7(CPOX):c.*73T>C

Gene: CPOX (coproporphyrinogen oxidase; minus strand). Cytogenetic location: 3q11.2.
Variant type: single nucleotide variant.
Coding change: c.*73T>C on transcript NM_000097.7 (MANE Select); 73 bases downstream of the stop codon, T replaced by C.
Molecular consequence: 3 prime UTR variant.
Genome position (GRCh38, 1-based): chr3:98,580,610, A>G on the plus strand (T>C on the coding strand, the complement: CPOX is on the minus strand). VCF-style: chr3-98580610-A-G. GRCh37 (hg19) VCF-style: chr3-98299454-A-G.
Other names: c.*73T>C (LRG_1077t1).
Identifiers: ClinVar variation 346970 (VCV000346970.5), dbSNP rs139447447, ClinGen allele CA10619740.